The following is an entry in ClinVar:

NM_006031.6(PCNT):c.3363C>T (p.Ser1121=)

Gene: PCNT (pericentrin; plus strand). Cytogenetic location: 21q22.3.
Variant type: single nucleotide variant.
Coding change: c.3363C>T on transcript NM_006031.6 (MANE Select); coding-DNA position 3363, C replaced by T.
Protein change: p.Ser1121=; no amino-acid change (serine 1121 retained).
Molecular consequence: synonymous variant.
Genome position (GRCh38, 1-based): chr21:46,385,882, C>T. VCF-style: chr21-46385882-C-T. GRCh37 (hg19) VCF-style: chr21-47805797-C-T.
Other names: c.3009C>T, p.Ser1003= (NM_001315529.2); c.3363C>T (NM_006031.5).
Identifiers: ClinVar variation 1558490 (VCV001558490.11), dbSNP rs141878320, ClinGen allele CA10079273.
Genomic context (GRCh38, chr21:46,385,882, plus strand): 5'-TTCTCGATAGCTGAAAGACCAGGTTTTATCCTTAAGTCACGAGATAGAAGAGTGCCGCTC[C>T]GAGTTGGAGGTGCTGCAGCAGAGGCGGGAGCGGGAGAACCGGGAAGGCGCAAACCTCCTC-3'
Protein context (NP_006022.3, residues 1111-1131): SLSHEIEECR[Ser1121=]ELEVLQQRRE

ClinVar aggregate classification (germline): Likely benign. Review status: criteria provided, multiple submitters, no conflicts (2 of 4 stars). 3 submissions from 3 submitters: Likely benign (2). 1 of the submissions does not count toward it. Last evaluated 2026-01-24.

Conditions:
PCNT-related disorder. Also called: PCNT-related condition.

Allele frequency attached by ClinVar (database versions not stated): ESP Exome Variant Server 0.00008; gnomAD exomes 0.00008; ExAC 0.00010; gnomAD 0.00011 and 0.00012; TOPMed 0.00013.
gnomAD v4.1: 382 of 1,614,080 alleles (0.024%); highest among the groups gnomAD compares: Non-Finnish European, 0.031%; no homozygotes.

Submissions (3):

Labcorp Genetics (formerly Invitae), Labcorp
Classification: Likely benign. Last evaluated: 2026-01-24. Review status: criteria provided, single submitter. Criteria: Invitae Variant Classification Sherloc (09022015). Collection method: clinical testing. Allele origin: germline.

Breakthrough Genomics
Classification: Likely benign. Review status: criteria provided, single submitter. Criteria: ACMG Guidelines, 2015. Collection method: not provided. Allele origin: germline. Inheritance: Autosomal recessive inheritance. Affected: yes.

PreventionGenetics, part of Exact Sciences
Classification: Likely benign for PCNT-related condition. Last evaluated: 2021-11-17. Review status: no assertion criteria provided. Collection method: clinical testing. Allele origin: germline. Not counted in ClinVar's aggregate classification.
Comment: This variant is classified as likely benign based on ACMG/AMP sequence variant interpretation guidelines (Richards et al. 2015 PMID: 25741868, with internal and published modifications).